The following is an entry in ClinVar:

NM_033380.3(COL4A5):c.706G>A (p.Gly236Ser)

Gene: COL4A5 (collagen type IV alpha 5 chain; plus strand). Cytogenetic location: Xq22.3.
Variant type: single nucleotide variant.
Coding change: c.706G>A on transcript NM_033380.3 (MANE Select); coding-DNA position 706, G replaced by A.
Protein change: p.Gly236Ser; replaces glycine 236 with serine.
Molecular consequence: missense variant.
Genome position (GRCh38, 1-based): chrX:108,578,309, G>A. VCF-style: chrX-108578309-G-A. GRCh37 (hg19) VCF-style: chrX-107821539-G-A.
Other names: c.706G>A, p.Gly236Ser (NM_000495.5); short protein forms G236S.
Identifiers: ClinVar variation 2629848 (VCV002629848.2), dbSNP rs2524235953, ClinGen allele CA413924121.
Genomic context (GRCh38, chrX:108,578,309, plus strand): 5'-ATTATGAAGTATCACCACTGTCTTATTTTATCTTGCAAACAGGGTGAGCAAGGTCTTCAG[G>A]GCCCACCTGGGCCACCTGGGCAGATCAGTGAACAGAAAAGACCAATTGATGTAGAGTTTC-3'
Protein context (NP_203699.1, residues 226-246): KGEKGEQGLQ[Gly236Ser]PPGPPGQISE

ClinVar aggregate classification (germline): Likely pathogenic. Review status: criteria provided, multiple submitters, no conflicts (2 of 4 stars). 2 submissions from 2 submitters: Likely pathogenic (2). Last evaluated 2024-04-03.

Conditions:
COL4A5-related disorder. Also called: COL4A5-related condition.
X-linked Alport syndrome (ATS1). Also called: NEPHROPATHY AND DEAFNESS, X-LINKED; COL4A5-Related Nephropathy. Identifiers: Orphanet 63, Orphanet 88917, MedGen C4746986, MONDO:0010520, OMIM 301050.

Submissions (2):

Fulgent Genetics
Classification: Likely pathogenic for X-linked Alport syndrome. Last evaluated: 2024-04-03. Review status: criteria provided, single submitter. Criteria: ACMG Guidelines, 2015. Collection method: clinical testing. Allele origin: germline.

PreventionGenetics, part of Exact Sciences
Classification: Likely pathogenic for COL4A5-related condition. Last evaluated: 2023-01-20. Review status: criteria provided, single submitter. Criteria: ACMG Guidelines, 2015. Collection method: clinical testing. Allele origin: germline.
Comment: The COL4A5 c.706G>A variant is predicted to result in the amino acid substitution p.Gly236Ser. The p.Gly236 residue resides in the triple-helical region (residues 42 – 1456) of the COL4A5 protein. The majority of pathogenic variants in COL4A5 substitute a glycine residue to a bulkier amino acid in the triple-helical domain (Hudson et al. 1993. PubMed ID: 8253711). To our knowledge, this variant has not been reported in the literature or in a large population database, indicating this variant is rare. This variant is interpreted as likely pathogenic.